The following is an entry in ClinVar:

ClinVar aggregate classification (germline): Likely benign. Review status: criteria provided, multiple submitters, no conflicts (2 of 4 stars). 9 submissions from 9 submitters: Likely benign (6). 3 of the submissions do not count toward it. Last evaluated 2026-07-01.

Conditions:
TMEM231-related disorder. Also called: TMEM231-related condition.
Meckel syndrome, type 11 (MKS11). Identifiers: Orphanet 564, MedGen C3809352, MONDO:0014164, OMIM 615397.
Joubert syndrome 20 (JBTS20). Identifiers: Orphanet 475, MedGen C3554235, MONDO:0013994, OMIM 614970.

Allele frequency attached by ClinVar (database versions not stated): 1000 Genomes Project 30x 0.00031; 1000 Genomes Project 0.00040; gnomAD 0.00092 and 0.00096; gnomAD exomes 0.00102; TOPMed 0.00109.
gnomAD v4.1: 1,630 of 1,394,788 alleles (0.12%); highest among the groups gnomAD compares: Middle Eastern, 0.92%; 5 homozygotes.

Submissions (9):

CeGaT Center for Human Genetics Tuebingen
Classification: Likely benign. Last evaluated: 2026-07-01. Review status: criteria provided, single submitter. Criteria: CeGaT Center For Human Genetics Tuebingen Variant Classification Criteria Version 2. Collection method: clinical testing. Allele origin: germline. Affected: yes. Observed: 8 variant alleles.
Comment: TMEM231: BP4, BP7

Labcorp Genetics (formerly Invitae), Labcorp
Classification: Likely benign for Joubert syndrome 20; Meckel syndrome, type 11. Last evaluated: 2026-01-26. Review status: criteria provided, single submitter. Criteria: Invitae Variant Classification Sherloc (09022015). Collection method: clinical testing. Allele origin: germline.

Mayo Clinic Laboratories, Mayo Clinic
Classification: Likely benign. Last evaluated: 2025-12-07. Review status: criteria provided, single submitter. Criteria: ACMG Guidelines, 2015. Collection method: clinical testing. Allele origin: germline. Observed: 1 variant allele.
Comment: BP4, BP7

Blueprint Genetics
Classification: Likely benign. Last evaluated: 2024-11-13. Review status: criteria provided, single submitter. Criteria: ACMG Guidelines, 2015. Collection method: clinical testing. Allele origin: germline.

GeneDx
Classification: Likely benign. Last evaluated: 2018-04-30. Review status: criteria provided, single submitter. Criteria: GeneDx Variant Classification (06012015). Collection method: clinical testing. Allele origin: germline. Affected: yes.
Comment: This variant is considered likely benign or benign based on one or more of the following criteria: it is a conservative change, it occurs at a poorly conserved position in the protein, it is predicted to be benign by multiple in silico algorithms, and/or has population frequency not consistent with disease.

Breakthrough Genomics
Classification: Likely benign. Review status: criteria provided, single submitter. Criteria: ACMG Guidelines, 2015. Collection method: not provided. Allele origin: germline. Inheritance: Autosomal recessive inheritance. Affected: yes.

PreventionGenetics, part of Exact Sciences
Classification: Likely benign for TMEM231-related condition. Last evaluated: 2019-06-28. Review status: no assertion criteria provided. Collection method: clinical testing. Allele origin: germline. Not counted in ClinVar's aggregate classification.
Comment: This variant is classified as likely benign based on ACMG/AMP sequence variant interpretation guidelines (Richards et al. 2015 PMID: 25741868, with internal and published modifications).

Clinical Genetics DNA and cytogenetics Diagnostics Lab, Erasmus MC, Erasmus Medical Center
Classification: Likely benign. Review status: no assertion criteria provided. Collection method: clinical testing. Allele origin: germline. Affected: yes. Study: VKGL Data-share Consensus. Not counted in ClinVar's aggregate classification.

Genome Diagnostics Laboratory, University Medical Center Utrecht
Classification: Likely benign. Review status: no assertion criteria provided. Collection method: clinical testing. Allele origin: germline. Affected: yes. Study: VKGL Data-share Consensus. Not counted in ClinVar's aggregate classification.

NM_001077418.3(TMEM231):c.-15C>T

Gene: TMEM231 (transmembrane protein 231; minus strand). Cytogenetic location: 16q23.1.
Variant type: single nucleotide variant.
Coding change: c.-15C>T on transcript NM_001077418.3 (MANE Select); 15 bases upstream of the start codon, C replaced by T.
Molecular consequence: 5 prime UTR variant. On other transcripts: synonymous variant (1), non-coding transcript variant (1).
Genome position (GRCh38, 1-based): chr16:75,556,224, G>A on the plus strand (C>T on the coding strand, the complement: TMEM231 is on the minus strand). VCF-style: chr16-75556224-G-A. GRCh37 (hg19) VCF-style: chr16-75590122-G-A.
Other names: p.Ala16=; c.48C>T, p.Ala16= (NM_001077416.2).
Identifiers: ClinVar variation 676718 (VCV000676718.48), dbSNP rs138060715, ClinGen allele CA8176327.